The following is an entry in ClinVar:

ClinVar aggregate classification (germline): Uncertain significance (1 of 4 stars; one submission).

Conditions:
Usmani-Riazuddin syndrome, autosomal dominant (USRISD). Identifiers: MedGen C5561952, MONDO:0859174, OMIM 619467.
Usmani-Riazuddin syndrome, autosomal recessive (USRISR). Identifiers: MedGen C5561994, MONDO:0859196, OMIM 619548.

gnomAD v4.1: 3 of 1,614,166 alleles (0.00019%); highest among the groups gnomAD compares: East Asian, 0.0022%; no homozygotes.

Submission:

Clinical Genomics Laboratory, Washington University in St. Louis
Classification: Uncertain significance for Usmani-Riazuddin syndrome, autosomal recessive; Usmani-Riazuddin syndrome, autosomal dominant. Last evaluated: 2025-09-01. Review status: criteria provided, single submitter. Criteria: ACMG Guidelines, 2015. Collection method: clinical testing. Allele origin: germline.
Comment: The AP1G1 c.1802C>G (p.Thr601Arg) variant, to our knowledge, has not been reported in the medical literature. This variant is absent from the general population (gnomAD v.2.1.1), indicating it is not a common variant. Computational predictors are uncertain as to the impact of this variant on AP1G1 function. Due to limited information, and based on ACMG/AMP guidelines for variant interpretation (Richards S et al., PMID: 25741868), the clinical significance of this variant is uncertain at this time.

NM_001128.6(AP1G1):c.1802C>G (p.Thr601Arg)

Gene: AP1G1 (adaptor related protein complex 1 subunit gamma 1; minus strand). Cytogenetic location: 16q22.2.
Variant type: single nucleotide variant.
Coding change: c.1802C>G on transcript NM_001128.6 (MANE Select); coding-DNA position 1802, C replaced by G.
Protein change: p.Thr601Arg; replaces threonine 601 with arginine.
Molecular consequence: missense variant.
Genome position (GRCh38, 1-based): chr16:71,745,543, G>C on the plus strand (C>G on the coding strand, the complement: AP1G1 is on the minus strand). VCF-style: chr16-71745543-G-C. GRCh37 (hg19) VCF-style: chr16-71779446-G-C.
Other names: c.1811C>G, p.Thr604Arg (NM_001030007.2); short protein forms T601R, T604R.
Identifiers: ClinVar variation 4279872 (VCV004279872.1).